The following is an entry in ClinVar:

NM_138694.4(PKHD1):c.12201G>T (p.Pro4067=)

Gene: PKHD1 (PKHD1 ciliary IPT domain containing fibrocystin/polyductin; minus strand). Cytogenetic location: 6p12.3.
Variant type: single nucleotide variant.
Coding change: c.12201G>T on transcript NM_138694.4 (MANE Select); coding-DNA position 12201, G replaced by T.
Protein change: p.Pro4067=; no amino-acid change (proline 4067 retained).
Molecular consequence: synonymous variant.
Genome position (GRCh38, 1-based): chr6:51,619,105, C>A on the plus strand (G>T on the coding strand, the complement: PKHD1 is on the minus strand). VCF-style: chr6-51619105-C-A. GRCh37 (hg19) VCF-style: chr6-51483903-C-A.
Other names: c.12201G>T (NM_138694.3).
Identifiers: ClinVar variation 1121031 (VCV001121031.11), dbSNP rs750988521, ClinGen allele CA138872046.

ClinVar aggregate classification (germline): Likely benign. Review status: criteria provided, single submitter (1 of 4 stars). 2 submissions from 2 submitters: Likely benign (1). 1 of the submissions does not count toward it. Last evaluated 2023-12-03.

Conditions:
PKHD1-related disorder. Also called: PKHD1-related condition.
Autosomal recessive polycystic kidney disease (ARPKD). Also called: AR polycystic kidney disease. Identifiers: Orphanet 731, Orphanet 8378, MedGen C0085548, MeSH D017044, MONDO:0009889.

Allele frequency attached by ClinVar (database versions not stated): gnomAD 0.00001.
gnomAD v4.1: 6 of 1,614,082 alleles (0.00037%); highest among the groups gnomAD compares: Admixed American, 0.005%; no homozygotes.

Submissions (2):

Labcorp Genetics (formerly Invitae), Labcorp
Classification: Likely benign for Autosomal recessive polycystic kidney disease. Last evaluated: 2023-12-03. Review status: criteria provided, single submitter. Criteria: Invitae Variant Classification Sherloc (09022015). Collection method: clinical testing. Allele origin: germline.

PreventionGenetics, part of Exact Sciences
Classification: Likely benign for PKHD1-related condition. Last evaluated: 2021-04-29. Review status: no assertion criteria provided. Collection method: clinical testing. Allele origin: germline. Not counted in ClinVar's aggregate classification.
Comment: This variant is classified as likely benign based on ACMG/AMP sequence variant interpretation guidelines (Richards et al. 2015 PMID: 25741868, with internal and published modifications).